The following is an entry in ClinVar:

NM_001163435.3(TBCK):c.2446A>G (p.Ile816Val)

Gene: TBCK (TBC1 domain containing kinase; minus strand). Cytogenetic location: 4q24.
Variant type: single nucleotide variant.
Coding change: c.2446A>G on transcript NM_001163435.3 (MANE Select); coding-DNA position 2446, A replaced by G.
Protein change: p.Ile816Val; replaces isoleucine 816 with valine.
Molecular consequence: missense variant.
Genome position (GRCh38, 1-based): chr4:106,095,607, T>C on the plus strand (A>G on the coding strand, the complement: TBCK is on the minus strand). VCF-style: chr4-106095607-T-C. GRCh37 (hg19) VCF-style: chr4-107016764-T-C.
Other names: c.2446A>G, p.Ile816Val (NM_001163436.4); c.2329A>G, p.Ile777Val (NM_001163437.3); c.1930A>G, p.Ile644Val (NM_001290768.2); c.2257A>G, p.Ile753Val (NM_033115.5); short protein forms I644V, I777V, I753V, I816V.
Identifiers: ClinVar variation 1389314 (VCV001389314.5), dbSNP rs200742458, ClinGen allele CA3034701.

ClinVar aggregate classification (germline): Uncertain significance (1 of 4 stars; one submission).

Allele frequency attached by ClinVar (database versions not stated): TOPMed 0.00003; 1000 Genomes Project 30x 0.00016.
gnomAD v4.1: 15 of 1,613,778 alleles (0.00093%); highest among the groups gnomAD compares: African/African-American, 0.012%; no homozygotes.

Submission:

Labcorp Genetics (formerly Invitae), Labcorp
Classification: Uncertain significance. Last evaluated: 2021-12-12. Review status: criteria provided, single submitter. Criteria: Invitae Variant Classification Sherloc (09022015). Collection method: clinical testing. Allele origin: germline.
Comment: This sequence change replaces isoleucine, which is neutral and non-polar, with valine, which is neutral and non-polar, at codon 816 of the TBCK protein (p.Ile816Val). This variant is present in population databases (rs200742458, gnomAD 0.01%). This variant has not been reported in the literature in individuals affected with TBCK-related conditions. Algorithms developed to predict the effect of missense changes on protein structure and function output the following: SIFT: "Tolerated"; PolyPhen-2: "Benign"; Align-GVGD: "Class C0". The valine amino acid residue is found in multiple mammalian species, which suggests that this missense change does not adversely affect protein function. In summary, the available evidence is currently insufficient to determine the role of this variant in disease. Therefore, it has been classified as a Variant of Uncertain Significance.